The following is an entry in ClinVar:

NM_153717.3(EVC):c.528del (p.Ser177fs)

Gene: EVC (EvC ciliary complex subunit 1; plus strand). Cytogenetic location: 4p16.2.
Variant type: Deletion.
Coding change: c.528del on transcript NM_153717.3 (MANE Select); coding-DNA position 528, one base deleted (C; older notation c.528delC).
Protein change: p.Ser177fs; shifts the reading frame from serine 177.
Molecular consequence: frameshift variant.
Genome position (GRCh38, 1-based): chr4:5,731,568, C deleted; the last of 2 consecutive C bases (chr4:5,731,567-5,731,568); deleting either gives the same sequence. VCF-style (leftmost placement, unchanged base first): chr4-5731566-TC-T. GRCh37 (hg19) VCF-style: chr4-5733293-TC-T.
Other names: c.528del, p.Ser177fs (NM_001306090.2, NM_001306092.2); short protein forms S177fs.
Identifiers: ClinVar variation 2186900 (VCV002186900.7), dbSNP rs1381525157, ClinGen allele CA549707488.
Genomic context (GRCh38, chr4:5,731,566, plus strand): 5'-TCTCCTTCCAGCAGTCTGGGGAGCCTGAGCCAGGGTGAGAAGGACGACTGCAGCTCCTCA[TC>T]CAGCGTCCACTCGGCCACCAGCGATGACAGGTTTCTCAGCCGCACCTTCCTCCGGGTGAA-3'

ClinVar aggregate classification (germline): Pathogenic. Review status: criteria provided, multiple submitters, no conflicts (2 of 4 stars). 4 submissions from 4 submitters: Pathogenic (3). 1 of the submissions does not count toward it. Last evaluated 2025-12-15.

Conditions:
Ellis-van Creveld syndrome (EVC). Also called: MESOECTODERMAL DYSPLASIA; Chondroectodermal dysplasia. Identifiers: Orphanet 289, MedGen C0013903, MONDO:0009162, OMIM 225500.
Curry-Hall syndrome (WAD). Also called: WEYERS ACRODENTAL DYSOSTOSIS. Identifiers: Orphanet 952, MedGen C0457013, MONDO:0008673, OMIM 193530.

Submissions (4):

Natera, Inc.
Classification: Pathogenic for Ellis-van Creveld syndrome. Last evaluated: 2025-12-15. Review status: criteria provided, single submitter. Criteria: Natera Variant Classification Schema (03/2026). Collection method: clinical testing. Allele origin: germline.
Comment: The c.528delC variant in EVC is a frameshift variant predicted to shift the reading frame beginning at codon 177 and leads to a stop codon 19 codons downstream. This variant is expected to result in nonsense mediated decay, truncation, or a dysfunctional protein product. This variant is rare in the general population with a frequency below the threshold expected for the associated phenotype(s). This variant has been observed in one or more individuals affected with the associated recessive disease, as either homozygous or compound heterozygous with a second variant (PMID: 39490293). Given the available evidence, this variant is classified as Pathogenic.

Labcorp Genetics (formerly Invitae), Labcorp
Classification: Pathogenic for Curry-Hall syndrome; Ellis-van Creveld syndrome. Last evaluated: 2023-06-24. Review status: criteria provided, single submitter. Criteria: Invitae Variant Classification Sherloc (09022015). Collection method: clinical testing. Allele origin: germline.
Comment: For these reasons, this variant has been classified as Pathogenic. ClinVar contains an entry for this variant (Variation ID: 2186900). This variant has not been reported in the literature in individuals affected with EVC-related conditions. This variant is present in population databases (no rsID available, gnomAD 0.006%). This sequence change creates a premature translational stop signal (p.Ser177Alafs*19) in the EVC gene. It is expected to result in an absent or disrupted protein product. Loss-of-function variants in EVC are known to be pathogenic (PMID: 23220543).

Juno Genomics, Hangzhou Juno Genomics, Inc
Classification: Pathogenic for Curry-Hall syndrome; Ellis-van Creveld syndrome. Review status: criteria provided, single submitter. Criteria: ACMG Guidelines, 2015. Collection method: clinical testing. Allele origin: germline.
Comment: Absent from controls (or at extremely low frequency if recessive) in Genome Aggregation Database.;Null variant in a gene where loss of function (LOF) is a known mechanism of disease.;For recessive disorders, detected in trans with a pathogenic variant.;Patient's phenotype or family history is highly specific for a disease with a single genetic etiology.

Department of Obstetrics and Gynecology, Women and Children’s Hospital Affiliated to Ningbo University
Classification: Pathogenic for Ellis-van Creveld syndrome. Last evaluated: 2025-10-13. Review status: no assertion criteria provided. Collection method: clinical testing. Allele origin: maternal. Affected: yes. Not counted in ClinVar's aggregate classification.
Comment: The EVC c.528del is a frameshift variant and located in the 4th exon (a total of 21 exons) of NM_153717.3 transcript. This sequence change creates a premature translational stop signal (p.Ser177Alafs*19) in the EVC gene. It is expected to result in an absent or disrupted protein product. Loss-of-function variants in EVC are known to be pathogenic (PMID: 23220543). The frequency of this variant is 6.84e-07 in the overall population by the whole exome sequencing dataset of gnomAD database and 2.519e-05 in the East Asian population. This variant has been reported in the literature in one individual affected with Ellis-van Creveld syndrome, and another likely pathogenic variant was detected in trans position of EVC gene (PMID: 39490293). Therefore, this variant has been classified as Pathogenic.

Literature cited by the submitters: PubMed 39490293 (cited by Natera, Inc. and Department of Obstetrics and Gynecology, Women and Children’s Hospital Affiliated to Ningbo University); PubMed 23220543 (cited by Labcorp Genetics (formerly Invitae), Labcorp and Department of Obstetrics and Gynecology, Women and Children’s Hospital Affiliated to Ningbo University).